The following is an entry in ClinVar:

NM_002485.5(NBN):c.1434C>T (p.Cys478=)

Gene: NBN (nibrin; minus strand). Cytogenetic location: 8q21.3.
Variant type: single nucleotide variant.
Coding change: c.1434C>T on transcript NM_002485.5 (MANE Select); coding-DNA position 1434, C replaced by T.
Protein change: p.Cys478=; no amino-acid change (cysteine 478 retained).
Molecular consequence: synonymous variant.
Genome position (GRCh38, 1-based): chr8:89,953,655, G>A on the plus strand (C>T on the coding strand, the complement: NBN is on the minus strand). VCF-style: chr8-89953655-G-A. GRCh37 (hg19) VCF-style: chr8-90965883-G-A.
Other names: c.1188C>T, p.Cys396= (NM_001024688.3).
Identifiers: ClinVar variation 411764 (VCV000411764.22), dbSNP rs1060503473, ClinGen allele CA16612661.

ClinVar aggregate classification (germline): Likely benign. Review status: criteria provided, multiple submitters, no conflicts (2 of 4 stars). 5 submissions from 5 submitters: Likely benign (4). 1 of the submissions does not count toward it. Last evaluated 2024-12-16.

Conditions:
Hereditary cancer-predisposing syndrome. Also called: Hereditary neoplastic syndrome; Neoplastic Syndromes, Hereditary; Tumor predisposition; Hereditary Cancer Syndrome. Identifiers: Orphanet 140162, MedGen C0027672, MeSH D009386, MONDO:0015356.
Microcephaly, normal intelligence and immunodeficiency (NBS). Also called: IMMUNODEFICIENCY, MICROCEPHALY, AND CHROMOSOMAL INSTABILITY; SEEMANOVA SYNDROME II; Immunodeficiency, microcephaly with normal intelligence; Ataxia telangiectasia variant V1; Nijmegen breakage syndrome; Microcephaly with normal intelligence immunodeficiency and lymphoreticular malignancies. Identifiers: Orphanet 647, MedGen C0398791, MONDO:0009623, OMIM 251260.

Allele frequency attached by ClinVar (database versions not stated): gnomAD exomes below 0.00001; TOPMed below 0.00001; gnomAD 0.00002.
gnomAD v4.1: 6 of 1,611,952 alleles (0.00037%); highest among the groups gnomAD compares: Non-Finnish European, 0.00017%; no homozygotes.

Submissions (5):

Labcorp Genetics (formerly Invitae), Labcorp
Classification: Likely benign for Microcephaly, normal intelligence and immunodeficiency. Last evaluated: 2024-12-16. Review status: criteria provided, single submitter. Criteria: Invitae Variant Classification Sherloc (09022015). Collection method: clinical testing. Allele origin: germline.

Genome-Nilou Lab
Classification: Likely benign for Microcephaly, normal intelligence and immunodeficiency. Last evaluated: 2021-11-07. Review status: criteria provided, single submitter. Criteria: ACMG Guidelines, 2015. Collection method: clinical testing. Allele origin: germline. Affected: no.

GeneDx
Classification: Likely benign. Last evaluated: 2017-09-05. Review status: criteria provided, single submitter. Criteria: GeneDx Variant Classification (06012015). Collection method: clinical testing. Allele origin: germline. Affected: yes.
Comment: This variant is considered likely benign or benign based on one or more of the following criteria: it is a conservative change, it occurs at a poorly conserved position in the protein, it is predicted to be benign by multiple in silico algorithms, and/or has population frequency not consistent with disease.

Ambry Genetics
Classification: Likely benign for Hereditary cancer-predisposing syndrome. Last evaluated: 2017-03-24. Review status: criteria provided, single submitter. Criteria: Ambry Variant Classification Scheme 2023. Collection method: clinical testing. Allele origin: germline.

Natera, Inc.
Classification: Uncertain significance for Nijmegen breakage syndrome. Last evaluated: 2025-01-27. Review status: no assertion criteria provided. Collection method: clinical testing. Allele origin: germline. Not counted in ClinVar's aggregate classification.